The following is an entry in ClinVar:

ClinVar aggregate classification (germline): Benign/Likely benign. Review status: criteria provided, multiple submitters, no conflicts (2 of 4 stars). 3 submissions from 3 submitters: Benign (1); Likely benign (2). Last evaluated 2024-03-25.

Conditions:
Hereditary cancer-predisposing syndrome. Also called: Tumor predisposition; Hereditary Cancer Syndrome; Hereditary neoplastic syndrome; Neoplastic Syndromes, Hereditary. Identifiers: Orphanet 140162, MedGen C0027672, MeSH D009386, MONDO:0015356.
Familial adenomatous polyposis 1 (FAP1). Also called: FAMILIAL ADENOMATOUS POLYPOSIS 1, ATTENUATED; POLYPOSIS, ADENOMATOUS INTESTINAL. Identifiers: MedGen C2713442, MONDO:0021056, OMIM 175100. Disease mechanism: loss of function.

Allele frequency attached by ClinVar (database versions not stated): gnomAD exomes below 0.00001.
gnomAD v4.1: 2 of 1,613,884 alleles (0.00012%); highest among the groups gnomAD compares: Non-Finnish European, 0.00017%; no homozygotes.

Submissions (3):

Myriad Genetics, Inc.
Classification: Benign for Familial adenomatous polyposis 1. Last evaluated: 2024-03-25. Review status: criteria provided, single submitter. Criteria: Myriad Autosomal Dominant, Autosomal Recessive and X-Linked Classification Criteria (2023). Collection method: clinical testing. Allele origin: unknown.
Comment: This variant is considered benign. This variant is a silent/synonymous amino acid change and it is not expected to impact splicing.

Ambry Genetics
Classification: Likely benign for Hereditary cancer-predisposing syndrome. Last evaluated: 2021-03-02. Review status: criteria provided, single submitter. Criteria: Ambry Variant Classification Scheme 2023. Collection method: clinical testing. Allele origin: germline.

Labcorp Genetics (formerly Invitae), Labcorp
Classification: Likely benign for Familial adenomatous polyposis 1. Last evaluated: 2017-12-21. Review status: criteria provided, single submitter. Criteria: Invitae Variant Classification Sherloc (09022015). Collection method: clinical testing. Allele origin: germline.

NM_000038.6(APC):c.4017T>C (p.Gly1339=)

Gene: APC (APC regulator of Wnt signaling pathway; plus strand). Cytogenetic location: 5q22.2.
Variant type: single nucleotide variant.
Coding change: c.4017T>C on transcript NM_000038.6 (MANE Select); coding-DNA position 4017, T replaced by C.
Protein change: p.Gly1339=; no amino-acid change (glycine 1339 retained).
Molecular consequence: synonymous variant.
Genome position (GRCh38, 1-based): chr5:112,839,611, T>C. VCF-style: chr5-112839611-T-C. GRCh37 (hg19) VCF-style: chr5-112175308-T-C.
Other names: c.4017T>C, p.Gly1339= (NM_001127510.3, NM_001354895.2); c.3963T>C, p.Gly1321= (NM_001127511.3); c.4071T>C, p.Gly1357= (NM_001354896.2); c.4047T>C, p.Gly1349= (NM_001354897.2); c.3942T>C, p.Gly1314= (NM_001354898.2); c.3933T>C, p.Gly1311= (NM_001354899.2); c.3894T>C, p.Gly1298= (NM_001354900.2); c.3840T>C, p.Gly1280= (NM_001354901.2); and 5 more.
Identifiers: ClinVar variation 537596 (VCV000537596.12), dbSNP rs1554085461, ClinGen allele CA445964041.